The following is an entry in ClinVar:

ClinVar aggregate classification (germline): Uncertain significance (1 of 4 stars; one submission).

Conditions:
Hereditary spastic paraplegia. Also called: Familial spastic paraparesis. Identifiers: Orphanet 685, MedGen C0037773, MONDO:0019064. Disease mechanism: loss of function.

Allele frequency attached by ClinVar (database versions not stated): ExAC 0.00001; gnomAD 0.00003; TOPMed 0.00003; gnomAD exomes 0.00005.
gnomAD v4.1: 82 of 1,607,078 alleles (0.0051%); highest among the groups gnomAD compares: Non-Finnish European, 0.0068%; no homozygotes.

Submission:

Labcorp Genetics (formerly Invitae), Labcorp
Classification: Uncertain significance for Hereditary spastic paraplegia. Last evaluated: 2022-11-01. Review status: criteria provided, single submitter. Criteria: Invitae Variant Classification Sherloc (09022015). Collection method: clinical testing. Allele origin: germline.
Comment: This variant is present in population databases (rs747842448, gnomAD 0.0009%). This sequence change replaces serine, which is neutral and polar, with cysteine, which is neutral and slightly polar, at codon 160 of the USP8 protein (p.Ser160Cys). This variant has not been reported in the literature in individuals affected with USP8-related conditions. Algorithms developed to predict the effect of missense changes on protein structure and function (SIFT, PolyPhen-2, Align-GVGD) all suggest that this variant is likely to be tolerated. In summary, the available evidence is currently insufficient to determine the role of this variant in disease. Therefore, it has been classified as a Variant of Uncertain Significance.

NM_005154.5(USP8):c.479C>G (p.Ser160Cys)

Gene: USP8 (ubiquitin specific peptidase 8; plus strand). Cytogenetic location: 15q21.2.
Variant type: single nucleotide variant.
Coding change: c.479C>G on transcript NM_005154.5 (MANE Select); coding-DNA position 479, C replaced by G.
Protein change: p.Ser160Cys; replaces serine 160 with cysteine.
Molecular consequence: missense variant.
Genome position (GRCh38, 1-based): chr15:50,459,143, C>G. VCF-style: chr15-50459143-C-G. GRCh37 (hg19) VCF-style: chr15-50751340-C-G.
Other names: c.479C>G, p.Ser160Cys (NM_001128610.3); c.248C>G, p.Ser83Cys (NM_001283049.2); short protein forms S160C, S83C.
Identifiers: ClinVar variation 2061843 (VCV002061843.4), dbSNP rs747842448, ClinGen allele CA7555464.